The following is an entry in ClinVar:

ClinVar aggregate classification (germline): Conflicting classifications of pathogenicity. Review status: criteria provided, conflicting classifications (1 of 4 stars). 7 submissions from 7 submitters: Likely pathogenic (3); Uncertain significance (2). 2 of the submissions do not count toward it. Last evaluated 2024-03-02.

Conditions:
Deficiency of butyryl-CoA dehydrogenase (ACADSD). Also called: ACADS DEFICIENCY; Short-Chain Acyl-CoA Dehydrogenase Deficiency; SCAD DEFICIENCY, MILD; SCADH DEFICIENCY; ACYL-CoA DEHYDROGENASE, SHORT-CHAIN, DEFICIENCY OF; SCAD Deficiency. Identifiers: Orphanet 26792, MedGen C0342783, MONDO:0008722, OMIM 201470. Disease mechanism: May be benign.

Allele frequency attached by ClinVar (database versions not stated): TOPMed 0.00007.
gnomAD v4.1: 53 of 1,612,928 alleles (0.0033%); highest among the groups gnomAD compares: Middle Eastern, 0.016%; no homozygotes.

Submissions (7):

Fulgent Genetics
Classification: Likely pathogenic for Deficiency of butyryl-CoA dehydrogenase. Last evaluated: 2024-03-02. Review status: criteria provided, single submitter. Criteria: ACMG Guidelines, 2015. Collection method: clinical testing. Allele origin: germline.

Labcorp Genetics (formerly Invitae), Labcorp
Classification: Likely pathogenic for Deficiency of butyryl-CoA dehydrogenase. Last evaluated: 2024-01-04. Review status: criteria provided, single submitter. Criteria: Invitae Variant Classification Sherloc (09022015). Collection method: clinical testing. Allele origin: germline.
Comment: This sequence change replaces alanine, which is neutral and non-polar, with threonine, which is neutral and polar, at codon 352 of the ACADS protein (p.Ala352Thr). This variant is present in population databases (rs202078273, gnomAD 0.004%). This missense change has been observed in individuals with biochemical features of short chain acyl-CoA dehydrogenase (SCAD) deficiency (PMID: 27051597, 30612563). ClinVar contains an entry for this variant (Variation ID: 432218). Advanced modeling of protein sequence and biophysical properties (such as structural, functional, and spatial information, amino acid conservation, physicochemical variation, residue mobility, and thermodynamic stability) performed at Invitae indicates that this missense variant is expected to disrupt ACADS protein function with a positive predictive value of 95%. In summary, the currently available evidence indicates that the variant is pathogenic, but additional data are needed to prove that conclusively. Therefore, this variant has been classified as Likely Pathogenic.

Genome-Nilou Lab
Classification: Uncertain significance for Deficiency of butyryl-CoA dehydrogenase. Last evaluated: 2021-11-07. Review status: criteria provided, single submitter. Criteria: ACMG Guidelines, 2015. Collection method: clinical testing. Allele origin: germline. Affected: no.

GeneDx
Classification: Uncertain significance. Last evaluated: 2017-06-09. Review status: criteria provided, single submitter. Criteria: GeneDx Variant Classification (06012015). Collection method: clinical testing. Allele origin: germline. Affected: yes.
Comment: The A352T variant was identified in a patient with short chain acyl-CoA dehydrogenase (SCAD) deficiency who was homozygous for both A352T and for the common G209S variant which is a well studied variant known to confer susceptibility to develop SCAD deficiency (Rodolfo et al. 2016). The A352T variant is not observed at a significant frequency in large population cohorts (Lek et al., 2016; 1000 Genomes Consortium et al., 2015; Exome Variant Server). The A352T variant is a non-conservative amino acid substitution, which is likely to impact secondary protein structure as these residues differ in polarity, charge, size and/or other properties. This substitution occurs at a position that is conserved across species. In silico analysis predicts this variant is probably damaging to the protein structure/function. In summary, based on the currently available information, it is unclear whether the A352T variant is a pathogenic variant or a rare benign variant.

Juno Genomics, Hangzhou Juno Genomics, Inc
Classification: Likely pathogenic for Deficiency of butyryl-CoA dehydrogenase. Review status: criteria provided, single submitter. Criteria: ACMG Guidelines, 2015. Collection method: clinical testing. Allele origin: germline.
Comment: Absent from controls (or at extremely low frequency if recessive) in Genome Aggregation Database.;Multiple lines of computational evidence support a deleterious effect on the gene or gene product.;For recessive disorders, detected in trans with a pathogenic variant.;Patient's phenotype or family history is highly specific for a disease with a single genetic etiology.

Counsyl
Classification: Uncertain significance for Deficiency of butyryl-CoA dehydrogenase. Last evaluated: 2018-03-27. Review status: no assertion criteria provided. Collection method: clinical testing. Allele origin: unknown. Not counted in ClinVar's aggregate classification.

Neonatal Disease Screening Center, Medical Genetics Center, Huaihua City Maternal and Child Health Care Hospital
Classification: Pathogenic for Deficiency of butyryl-CoA dehydrogenase. Review status: no assertion criteria provided. Criteria: ACMG Guidelines, 2015. Collection method: clinical testing. Allele origin: germline. Affected: yes. Observed: 1 variant allele. Not counted in ClinVar's aggregate classification.
Comment: PM2_P+PM3_VS+PP3+PP4

Literature cited by the submitters: PubMed 27051597 (cited by Labcorp Genetics (formerly Invitae), Labcorp and Counsyl); PubMed 30612563 (cited by Labcorp Genetics (formerly Invitae), Labcorp); PubMed 18836889 (cited by Counsyl).

NM_000017.4(ACADS):c.1054G>A (p.Ala352Thr)

Gene: ACADS (acyl-CoA dehydrogenase short chain; plus strand). Cytogenetic location: 12q24.31.
Variant type: single nucleotide variant.
Coding change: c.1054G>A on transcript NM_000017.4 (MANE Select); coding-DNA position 1054, G replaced by A.
Protein change: p.Ala352Thr; replaces alanine 352 with threonine.
Molecular consequence: missense variant.
Genome position (GRCh38, 1-based): chr12:120,739,164, G>A. VCF-style: chr12-120739164-G-A. GRCh37 (hg19) VCF-style: chr12-121176967-G-A.
Other names: c.1042G>A, p.Ala348Thr (NM_001302554.2); short protein forms A352T, A348T.
Identifiers: ClinVar variation 432218 (VCV000432218.20), dbSNP rs202078273, ClinGen allele CA6831196.